The following is an entry in ClinVar:

ClinVar aggregate classification (germline): Uncertain significance (1 of 4 stars; one submission).

Conditions:
Brody myopathy. Also called: BRODY DISEASE. Identifiers: Orphanet 53347, MedGen C1832918, MONDO:0010977, OMIM 601003.

Allele frequency attached by ClinVar (database versions not stated): gnomAD exomes below 0.00001; gnomAD 0.00001; TOPMed 0.00001; ESP Exome Variant Server 0.00008.

Submission:

Labcorp Genetics (formerly Invitae), Labcorp
Classification: Uncertain significance for Brody myopathy. Last evaluated: 2022-05-07. Review status: criteria provided, single submitter. Criteria: Invitae Variant Classification Sherloc (09022015). Collection method: clinical testing. Allele origin: germline.
Comment: This variant is not present in population databases (gnomAD no frequency). This variant has not been reported in the literature in individuals affected with ATP2A1-related conditions. This sequence change replaces glycine, which is neutral and non-polar, with arginine, which is basic and polar, at codon 156 of the ATP2A1 protein (p.Gly156Arg). Algorithms developed to predict the effect of missense changes on protein structure and function are either unavailable or do not agree on the potential impact of this missense change (SIFT: "Deleterious"; PolyPhen-2: "Probably Damaging"; Align-GVGD: "Class C0"). In summary, the available evidence is currently insufficient to determine the role of this variant in disease. Therefore, it has been classified as a Variant of Uncertain Significance.

NM_004320.6(ATP2A1):c.466G>A (p.Gly156Arg)

Gene: ATP2A1 (ATPase sarcoplasmic/endoplasmic reticulum Ca2+ transporting 1; plus strand). Cytogenetic location: 16p11.2.
Variant type: single nucleotide variant.
Coding change: c.466G>A on transcript NM_004320.6 (MANE Select); coding-DNA position 466, G replaced by A.
Protein change: p.Gly156Arg; replaces glycine 156 with arginine.
Molecular consequence: missense variant.
Genome position (GRCh38, 1-based): chr16:28,884,577, G>A. VCF-style: chr16-28884577-G-A. GRCh37 (hg19) VCF-style: chr16-28895898-G-A.
Other names: c.91G>A, p.Gly31Arg (NM_001286075.2); c.466G>A, p.Gly156Arg (NM_173201.5); short protein forms G31R, G156R.
Identifiers: ClinVar variation 1941326 (VCV001941326.5), dbSNP rs369818510, ClinGen allele CA279228831.